The following is an entry in ClinVar:

ClinVar aggregate classification (germline): Pathogenic. Review status: reviewed by expert panel (3 of 4 stars). 7 submissions from 7 submitters: Pathogenic (1). 6 of the submissions do not count toward it. Last evaluated 2020-09-04.

Conditions:
Platelet-type bleeding disorder 16 (BDPLT16). Also called: Bleeding disorder, platelet-type, 16, autosomal dominant. Identifiers: Orphanet 140957, MedGen C5442010, MONDO:0008552, OMIM 187800.
Glanzmann thrombasthenia 1 (GT1). Also called: BLEEDING DISORDER, PLATELET-TYPE, 2; GP IIb-IIIa COMPLEX DEFICIENCY; GLYCOPROTEIN COMPLEX IIb-IIIa DEFICIENCY; PLATELET FIBRINOGEN RECEPTOR DEFICIENCY. Identifiers: MedGen CN300358, MONDO:0031332, OMIM 273800.
ITGA2B-related disorder. Also called: ITGA2B-related disorders; ITGA2B-related condition.
Glanzmann thrombasthenia. Also called: THROMBASTHENIA OF GLANZMANN AND NAEGELI; PLATELET GLYCOPROTEIN IIb-IIIa DEFICIENCY; Glanzmann's thrombasthenia; Thrombasthenia. Identifiers: Orphanet 849, MedGen C0040015, MONDO:0100326.

Allele frequency attached by ClinVar (database versions not stated): gnomAD 0.00002; TOPMed 0.00002.
gnomAD v4.1: 4 of 1,613,934 alleles (0.00025%); highest among the groups gnomAD compares: African/African-American, 0.0013%; no homozygotes.

Submissions (7):

ClinGen Platelet Disorders Variant Curation Expert Panel, ClinGen
Classification: Pathogenic for Glanzmann thrombasthenia. Last evaluated: 2020-09-04. Review status: reviewed by expert panel. Criteria: ClinGen Platelet ACMG Specifications v2. Collection method: curation. Allele origin: germline. Inheritance: Autosomal recessive inheritance.
Comment: The NM_000419.4:c.641T>C variant that results in the Leu214Pro amino acid change is reported in five homozygous individuals in the literature (PMID: 19691478, 9473221, 21113249). It is absent in population databases and is predicted damaging by in-silico tools. Experimental evidence shows moderate levels of surface expression of the GPIIb-IIIa complex, but impaired fibrinogen and PAC-1 binding. In summary, based on available evidence at this time, the Leu214Pro variant is classified as pathogenic. GT-specific criteria applied: PS3, PM2_supporting, PM3, PP3, PP4_moderate.

Blueprint Genetics
Classification: Pathogenic for ITGA2B-related disorders. Last evaluated: 2024-08-01. Review status: criteria provided, single submitter. Criteria: ACMG Guidelines, 2015. Collection method: clinical testing. Allele origin: germline. Affected: yes. Observed: 2 variant alleles. Not counted in ClinVar's aggregate classification.

Fulgent Genetics
Classification: Pathogenic for Platelet-type bleeding disorder 16; Glanzmann thrombasthenia 1. Last evaluated: 2024-02-10. Review status: criteria provided, single submitter. Criteria: ACMG Guidelines, 2015. Collection method: clinical testing. Allele origin: germline. Not counted in ClinVar's aggregate classification.

GeneDx
Classification: Pathogenic. Last evaluated: 2023-11-19. Review status: criteria provided, single submitter. Criteria: GeneDx Variant Classification Process June 2021. Collection method: clinical testing. Allele origin: germline. Affected: yes. Not counted in ClinVar's aggregate classification.
Comment: Published functional studies demonstrate a damaging effect, including impaired ligand binding (PMID: 9473221); Not observed at significant frequency in large population cohorts (gnomAD); In silico analysis supports that this missense variant has a deleterious effect on protein structure/function; This variant is associated with the following publications: (PMID: 25525159, 9215749, 9473221, 25539746)

Neuberg Centre For Genomic Medicine, NCGM
Classification: Pathogenic for Glanzmann thrombasthenia 1. Review status: criteria provided, single submitter. Criteria: ACMG Guidelines, 2015. Collection method: clinical testing. Allele origin: germline. Inheritance: Autosomal recessive inheritance. Affected: yes. Not counted in ClinVar's aggregate classification.
Comment: The c.641T>C (p.Leu214Pro) missense variant in ITGA2B gene has been reported in homozygous state in individuals affected with Glanzmann thrombasthenia (Kannan M et al., 2009). Experimental evidence shows moderate levels of surface expression of the GPIIb-IIIa complex, but impaired fibrinogen and PAC-1 binding (Ogawa Y et al., 2017). The p.Leu214Pro variant is novel (not in any individuals) in gnomAD Exomes and 1000 Genomes. This variant has been reported to the ClinVar database as Pathogenic. The amino acid Leu at position 214 is changed to a Pro changing protein sequence and it might alter its composition and physico-chemical properties. The variant is predicted as conserved by GERP++ and PhyloP across 100 vertebrates. For these reasons, this variant has been classified as Pathogenic.

OMIM
Classification: Pathogenic for GLANZMANN THROMBASTHENIA 1. Last evaluated: 1998-03-01. Review status: no assertion criteria provided. Collection method: literature only. Allele origin: germline. Not counted in ClinVar's aggregate classification.

ISTH-SSC Genomics in Thrombosis and Hemostasis, KU Leuven, Center for Molecular and Vascular Biology
Classification: Pathogenic for Glanzmann thrombasthenia 1. Review status: no assertion criteria provided. Collection method: research. Allele origin: germline. Affected: yes. Not counted in ClinVar's aggregate classification.
Comment: Submitted to GoldVariant by Jose María Bastida from Grupo Español de Alteraciones Plaquetarias Congénitas (GEAPC), Salamanca, Spain

Literature cited by the submitters: PubMed 9473221 (cited by ClinGen Platelet Disorders Variant Curation Expert Panel, ClinGen and OMIM); PubMed 27696190 (cited by ClinGen Platelet Disorders Variant Curation Expert Panel, ClinGen); PubMed 27607598 (cited by ClinGen Platelet Disorders Variant Curation Expert Panel, ClinGen); PubMed 19691478 (cited by ClinGen Platelet Disorders Variant Curation Expert Panel, ClinGen); PubMed 21113249 (cited by ClinGen Platelet Disorders Variant Curation Expert Panel, ClinGen).

NM_000419.5(ITGA2B):c.641T>C (p.Leu214Pro)

Gene: ITGA2B (integrin subunit alpha 2b; minus strand). Cytogenetic location: 17q21.31.
Variant type: single nucleotide variant.
Coding change: c.641T>C on transcript NM_000419.5 (MANE Select); coding-DNA position 641, T replaced by C.
Protein change: p.Leu214Pro; replaces leucine 214 with proline.
Molecular consequence: missense variant.
Genome position (GRCh38, 1-based): chr17:44,385,193, A>G on the plus strand (T>C on the coding strand, the complement: ITGA2B is on the minus strand). VCF-style: chr17-44385193-A-G. GRCh37 (hg19) VCF-style: chr17-42462561-A-G.
Other names: c.641T>C (NM_000419.3); c.641T>C, p.Leu214Pro (LRG_479t1); short protein forms L214P.
Identifiers: ClinVar variation 2901 (VCV000002901.9), dbSNP rs137852911, ClinGen allele CA115848.
Genomic context (GRCh38, chr17:44,385,193, plus strand): 5'-AAGGGAGGGAGGTGTACGGATGGGCACGTACCTAAGAAATAATAGCCGCCAGGAGCCCCA[A>G]GCACCAGCTCTCCGGCCTGGAAGGGAAGTCCTGAGGGTGAGAGGGGGCCCTGTTTGGGAG-3'
Protein context (NP_000410.2, residues 204-224): SVVTQAGELV[Leu214Pro]GAPGGYYFLG